The following is an entry in ClinVar:

ClinVar aggregate classification (germline): Uncertain significance. Review status: criteria provided, multiple submitters, no conflicts (2 of 4 stars). 2 submissions from 2 submitters: Uncertain significance (2). Last evaluated 2026-08-20.

Conditions:
Hereditary cancer-predisposing syndrome. Also called: Tumor predisposition; Hereditary neoplastic syndrome; Neoplastic Syndromes, Hereditary; Hereditary Cancer Syndrome. Identifiers: Orphanet 140162, MedGen C0027672, MeSH D009386, MONDO:0015356.
Parathyroid carcinoma (PRTC). Also called: CDC73-Related Parathyroid Carcinoma; Parathyroid gland carcinoma. Identifiers: Orphanet 143, MedGen C0687150, MONDO:0012004, OMIM 608266, HP:0006780.

Submissions (2):

Ambry Genetics
Classification: Uncertain significance for Hereditary cancer-predisposing syndrome. Last evaluated: 2026-08-20. Review status: criteria provided, single submitter. Criteria: Ambry Variant Classification Scheme 2023. Collection method: clinical testing. Allele origin: germline.
Comment: The p.V467I variant (also known as c.1399G>A), located in coding exon 15 of the CDC73 gene, results from a G to A substitution at nucleotide position 1399. The valine at codon 467 is replaced by isoleucine, an amino acid with highly similar properties. This amino acid position is conserved. In addition, this alteration is predicted to be tolerated by in silico analysis. Based on the available evidence, the clinical significance of this variant remains unclear.

Labcorp Genetics (formerly Invitae), Labcorp
Classification: Uncertain significance for Parathyroid carcinoma. Last evaluated: 2025-10-26. Review status: criteria provided, single submitter. Criteria: Invitae Variant Classification Sherloc (09022015). Collection method: clinical testing. Allele origin: germline.
Comment: This sequence change replaces valine, which is neutral and non-polar, with isoleucine, which is neutral and non-polar, at codon 467 of the CDC73 protein (p.Val467Ile). This variant is not present in population databases (gnomAD no frequency). This variant has not been reported in the literature in individuals affected with CDC73-related conditions. ClinVar contains an entry for this variant (Variation ID: 1721228). Invitae Evidence Modeling of protein sequence and biophysical properties (such as structural, functional, and spatial information, amino acid conservation, physicochemical variation, residue mobility, and thermodynamic stability) indicates that this missense variant is not expected to disrupt CDC73 protein function with a negative predictive value of 80%. In summary, the available evidence is currently insufficient to determine the role of this variant in disease. Therefore, it has been classified as a Variant of Uncertain Significance.

NM_024529.5(CDC73):c.1399G>A (p.Val467Ile)

Gene: CDC73 (cell division cycle 73; plus strand). Cytogenetic location: 1q31.2.
Variant type: single nucleotide variant.
Coding change: c.1399G>A on transcript NM_024529.5 (MANE Select); coding-DNA position 1399, G replaced by A.
Protein change: p.Val467Ile; replaces valine 467 with isoleucine.
Molecular consequence: missense variant.
Genome position (GRCh38, 1-based): chr1:193,236,338, G>A. VCF-style: chr1-193236338-G-A. GRCh37 (hg19) VCF-style: chr1-193205468-G-A.
Other names: short protein forms V467I.
Identifiers: ClinVar variation 1721228 (VCV001721228.7), dbSNP rs2102061891, ClinGen allele CA344078274.